The following is an entry in ClinVar:

NM_002693.3(POLG):c.1126C>T (p.Leu376=)

Gene: POLG (DNA polymerase gamma, catalytic subunit; minus strand). Cytogenetic location: 15q26.1.
Variant type: single nucleotide variant.
Coding change: c.1126C>T on transcript NM_002693.3 (MANE Select); coding-DNA position 1126, C replaced by T.
Protein change: p.Leu376=; no amino-acid change (leucine 376 retained).
Molecular consequence: synonymous variant.
Genome position (GRCh38, 1-based): chr15:89,328,729, G>A on the plus strand (C>T on the coding strand, the complement: POLG is on the minus strand). VCF-style: chr15-89328729-G-A. GRCh37 (hg19) VCF-style: chr15-89871960-G-A.
Other names: p.L376L:CTG>TTG; p.Leu376=; c.1126C>T, p.Leu376= (NM_001126131.2).
Identifiers: ClinVar variation 138773 (VCV000138773.59), dbSNP rs116165908, ClinGen allele CA292869.

ClinVar aggregate classification (germline): Benign/Likely benign. Review status: criteria provided, multiple submitters, no conflicts (2 of 4 stars). 14 submissions from 14 submitters: Benign (7); Likely benign (5). 2 of the submissions do not count toward it. Last evaluated 2026-01-28.

Conditions:
Inborn genetic diseases. Identifiers: MedGen C0950123, MeSH D030342.
Sensory ataxic neuropathy, dysarthria, and ophthalmoparesis (SANDO). Also called: Epilepsy, progressive myoclonic, type 5; SENSORY ATAXIC NEUROPATHY WITH MITOCHONDRIAL DNA DELETIONS, AUTOSOMAL RECESSIVE; Ataxia Neuropathy Spectrum (ANS); Sensory ataxic neuropathy-dysarthria-ophthalmoparesis syndrome. Identifiers: Orphanet 70595, MedGen C1843851, MONDO:0011835, OMIM 607459.
Mitochondrial DNA depletion syndrome 4b. Also called: Mitochondrial Neurogastrointestinal Encephalopathy Disease, POLG-Related; MNGIE, POLG-RELATED. Identifiers: Orphanet 298, MedGen C3150914, MONDO:0013350, OMIM 613662.
Progressive sclerosing poliodystrophy (MTDPS4A). Also called: Alpers Syndrome; ALPERS DIFFUSE DEGENERATION OF CEREBRAL GRAY MATTER WITH HEPATIC CIRRHOSIS; Alpers-Huttenlocher Syndrome; Mitochondrial DNA depletion syndrome 4A (Alpers type); Mitochondrial DNA Depletion Syndrome 4A; Alpers-Huttenlocher Syndrome (AHS). Identifiers: Orphanet 726, MedGen C0205710, MONDO:0008758, OMIM 203700.
Mitochondrial DNA depletion syndrome 1. Also called: Mitochondrial Neurogastrointestinal Encephalopathy Disease; MITOCHONDRIAL NEUROGASTROINTESTINAL ENCEPHALOPATHY SYNDROME, TYMP-RELATED; MNGIE, TYMP-RELATED; Mitochondrial DNA Depletion Syndrome, MNGIE Form; POLIP SYNDROME; POLYNEUROPATHY, OPHTHALMOPLEGIA, LEUKOENCEPHALOPATHY, AND INTESTINAL PSEUDOOBSTRUCTION. Identifiers: Orphanet 298, MedGen C4551995, MONDO:0011283, OMIM 603041.
Progressive external ophthalmoplegia with mitochondrial DNA deletions, autosomal dominant 1 (PEOA1). Also called: PROGRESSIVE EXTERNAL OPHTHALMOPLEGIA, AUTOSOMAL DOMINANT 1; Autosomal Dominant Progressive External Ophthalmoplegia (adPEO). Identifiers: MedGen C1834846, MONDO:0024528, OMIM 157640.
Progressive external ophthalmoplegia with mitochondrial DNA deletions, autosomal recessive 1 (PEOB1). Also called: Autosomal Recessive Progressive External Ophthalmoplegia (arPEO); Progressive external ophthalmoplegia, autosomal recessive 1. Identifiers: Orphanet 254886, MedGen C4225153, MONDO:0009783, OMIM 258450.

Allele frequency attached by ClinVar (database versions not stated): gnomAD exomes 0.00080; ExAC 0.00105; ESP Exome Variant Server 0.00315; gnomAD 0.00330 and 0.00347; TOPMed 0.00333; 1000 Genomes Project 30x 0.00437; 1000 Genomes Project 0.00459.
gnomAD v4.1: 932 of 1,614,130 alleles (0.058%); highest among the groups gnomAD compares: African/African-American, 1.1%; 6 homozygotes.

Submissions (14):

Labcorp Genetics (formerly Invitae), Labcorp
Classification: Benign for Progressive sclerosing poliodystrophy. Last evaluated: 2026-01-28. Review status: criteria provided, single submitter. Criteria: Invitae Variant Classification Sherloc (09022015). Collection method: clinical testing. Allele origin: germline.

Mayo Clinic Laboratories, Mayo Clinic
Classification: Likely benign. Last evaluated: 2025-11-19. Review status: criteria provided, single submitter. Criteria: ACMG Guidelines, 2015. Collection method: clinical testing. Allele origin: germline. Observed: 7 variant alleles.
Comment: BS1, BP4, BP7

CeGaT Center for Human Genetics Tuebingen
Classification: Likely benign. Last evaluated: 2025-05-01. Review status: criteria provided, single submitter. Criteria: CeGaT Center For Human Genetics Tuebingen Variant Classification Criteria Version 2. Collection method: clinical testing. Allele origin: germline. Affected: yes. Observed: 5 variant alleles.
Comment: POLG: BP4, BP7, BS1

ARUP Laboratories, Molecular Genetics and Genomics, ARUP Laboratories
Classification: Benign. Last evaluated: 2025-03-13. Review status: criteria provided, single submitter. Criteria: ARUP Molecular Germline Variant Investigation Process 2024. Collection method: clinical testing. Allele origin: germline.

Blueprint Genetics
Classification: Likely benign. Last evaluated: 2024-11-26. Review status: criteria provided, single submitter. Criteria: ACMG Guidelines, 2015. Collection method: clinical testing. Allele origin: germline.

Fulgent Genetics
Classification: Likely benign for Progressive external ophthalmoplegia with mitochondrial DNA deletions, autosomal dominant 1; Progressive sclerosing poliodystrophy; Progressive external ophthalmoplegia with mitochondrial DNA deletions, autosomal recessive 1; Mitochondrial DNA depletion syndrome 1; Sensory ataxic neuropathy, dysarthria, and ophthalmoparesis; Mitochondrial DNA depletion syndrome 4b. Last evaluated: 2021-09-19. Review status: criteria provided, single submitter. Criteria: ACMG Guidelines, 2015. Collection method: clinical testing. Allele origin: unknown.

Wong Mito Lab, Molecular and Human Genetics, Baylor College of Medicine
Classification: Likely benign for Progressive sclerosing poliodystrophy. Last evaluated: 2018-10-01. Review status: criteria provided, single submitter. Criteria: ACMG Guidelines, 2015. Collection method: clinical testing. Allele origin: germline.
Comment: The NM_002693.2:c.1126C>T (NP_002684.1:p.Leu376=) [GRCH38: NC_000015.10:g.89328729G>A] variant in POLG gene is interpretated to be a Likely Benign based on ACMG guidelines (PMID: 25741868). This variant meets the following evidence codes reported in the ACMG-guideline. BP4:Computational evidence/predictors indicate no impact on the POLG structure, function, or protein-protein interaction. BP7:The variant is silent with non predicted splice impact. BS1:The minor allele frequency of this allele is high for Mitochondrial DNA depletion syndrome 4A (Alpers type). BP6:Reputable source(s) without shared data suggest the variant is benign. Based on the evidence criteria codes applied, the variant is suggested to be Likely Benign.

Athena Diagnostics
Classification: Benign. Last evaluated: 2017-07-18. Review status: criteria provided, single submitter. Criteria: Athena Diagnostics Criteria. Collection method: clinical testing. Allele origin: germline.

Ambry Genetics
Classification: Benign for Inborn genetic diseases. Last evaluated: 2016-09-01. Review status: criteria provided, single submitter. Criteria: Ambry Variant Classification Scheme 2023. Collection method: clinical testing. Allele origin: germline.

Eurofins Ntd Llc (ga)
Classification: Benign. Last evaluated: 2015-11-24. Review status: criteria provided, single submitter. Criteria: EGL Classification Definitions 2015. Collection method: clinical testing. Allele origin: germline. Observed: 1 variant allele, 1 heterozygote.

GeneDx
Classification: Benign. Last evaluated: 2013-01-03. Review status: criteria provided, single submitter. Criteria: GeneDx Variant Classification (06012015). Collection method: clinical testing. Allele origin: germline. Affected: yes.
Comment: This variant is considered likely benign or benign based on one or more of the following criteria: it is a conservative change, it occurs at a poorly conserved position in the protein, it is predicted to be benign by multiple in silico algorithms, and/or has population frequency not consistent with disease.

PreventionGenetics, part of Exact Sciences
Classification: Benign. Review status: criteria provided, single submitter. Criteria: ACMG Guidelines, 2015. Collection method: clinical testing. Allele origin: germline.

Clinical Genetics DNA and cytogenetics Diagnostics Lab, Erasmus MC, Erasmus Medical Center
Classification: Benign. Review status: no assertion criteria provided. Collection method: clinical testing. Allele origin: germline. Affected: yes. Study: VKGL Data-share Consensus. Not counted in ClinVar's aggregate classification.

Diagnostic Laboratory, Department of Genetics, University Medical Center Groningen
Classification: Likely benign. Review status: no assertion criteria provided. Collection method: clinical testing. Allele origin: germline. Affected: yes. Study: VKGL Data-share Consensus. Not counted in ClinVar's aggregate classification.

Literature cited by the submitters: PubMed 16639411 (cited by Mayo Clinic Laboratories, Mayo Clinic and Athena Diagnostics).